The following is an entry in ClinVar:

NM_000142.5(FGFR3):c.2310C>G (p.Tyr770Ter)

Gene: FGFR3 (fibroblast growth factor receptor 3; plus strand). Cytogenetic location: 4p16.3.
Variant type: single nucleotide variant.
Coding change: c.2310C>G on transcript NM_000142.5 (MANE Select); coding-DNA position 2310, C replaced by G.
Protein change: p.Tyr770Ter; replaces tyrosine 770 with a stop codon.
Molecular consequence: nonsense. On other transcripts: missense variant (1), non-coding transcript variant (1).
Genome position (GRCh38, 1-based): chr4:1,807,151, C>G. VCF-style: chr4-1807151-C-G. GRCh37 (hg19) VCF-style: chr4-1808878-C-G.
Other names: c.2316C>G, p.Tyr772Ter (NM_001163213.2); c.2313C>G, p.Tyr771Ter (NM_001354809.2); c.2242C>G, p.Leu748Val (NM_001354810.2); c.1974C>G, p.Tyr658Ter (NM_022965.4); short protein forms Y772*, L748V, Y658*, Y770*, Y771*.
Identifiers: ClinVar variation 4989398 (VCV004989398.1).

ClinVar aggregate classification (germline): Uncertain significance (1 of 4 stars; one submission).

Conditions:
FGFR3-related disorder. Also called: FGFR3-related disorders.

gnomAD v4.1: 4 of 1,598,470 alleles (0.00025%); highest among the groups gnomAD compares: Non-Finnish European, 0.00034%; no homozygotes.

Submission:

PreventionGenetics, part of Exact Sciences
Classification: Uncertain significance for FGFR3-related condition. Last evaluated: 2025-11-04. Review status: criteria provided, single submitter. Criteria: ACMG Guidelines, 2015. Collection method: clinical testing. Allele origin: germline.
Comment: The FGFR3 c.2310C>G variant is predicted to result in premature protein termination (p.Tyr770*). To our knowledge, this variant has not been reported in the literature. This variant occurs in the last exon, and while several variants eliminating the stop codon (*807) and resulting in protein extension by ~100 amino acids have been reported as causative for thanatophoric dysplasia (Rousseau et al. 1995. PubMed ID: 7647778; Passos-Bueno et al. 1999. PubMed ID: 10425034; Baujat et al. 2008. PubMed ID: 18328977; Foldynova-Trantirkova et al. 2012. PubMed ID: 22045636; Xue et al. 2014. PubMed ID: 25614871), only a single variant in the last exon resulting in premature protein termination has been reported as pathogenic in patients with acanthosis nigricans (Tahara et al. 2021. PubMed ID: 33580140; March-Rodriguez et al. 2023. PubMed ID: 36848372). This variant is reported in 0.0011% of alleles in individuals of European (Non-Finnish) descent in gnomAD. Although we suspect that this variant may be pathogenic, at this time, the clinical significance of this variant is uncertain due to the absence of conclusive functional and genetic evidence.